The following is an entry in ClinVar:

ClinVar aggregate classification (germline): Conflicting classifications of pathogenicity. Review status: criteria provided, conflicting classifications (1 of 4 stars). 2 submissions from 2 submitters: Uncertain significance (1); Likely benign (1). Last evaluated 2023-03-23.

Conditions:
Hereditary cancer-predisposing syndrome. Also called: Tumor predisposition; Hereditary neoplastic syndrome; Neoplastic Syndromes, Hereditary; Hereditary Cancer Syndrome. Identifiers: Orphanet 140162, MedGen C0027672, MeSH D009386, MONDO:0015356.
Hereditary breast ovarian cancer syndrome. Also called: Breast and ovarian cancer; BRCA1- and BRCA2-Associated Hereditary Breast and Ovarian Cancer; Hereditary breast and ovarian cancer; Hereditary breast and ovarian cancer syndrome (HBOC); Hereditary breast and/or ovarian cancer syndrome; Hereditary breast and ovarian cancer syndrome. Identifiers: Orphanet 145, MedGen C0677776, MeSH D061325, MONDO:0003582. Disease mechanism: loss of function.

Submissions (2):

University of Washington Department of Laboratory Medicine, University of Washington
Classification: Likely benign for Hereditary cancer-predisposing syndrome. Last evaluated: 2023-03-23. Review status: criteria provided, single submitter. Criteria: Dines et al. (Genet Med. 2020). Collection method: curation. Allele origin: germline.
Comment: Missense variant in a coldspot region where missense variants are very unlikely to be pathogenic (PMID:31911673).

BRCA2 exon 11 coldspot. Reclassification based on statistical prior probability.

Labcorp Genetics (formerly Invitae), Labcorp
Classification: Uncertain significance for Hereditary breast ovarian cancer syndrome. Last evaluated: 2019-12-23. Review status: criteria provided, single submitter. Criteria: Invitae Variant Classification Sherloc (09022015). Collection method: clinical testing. Allele origin: germline.
Comment: This variant has not been reported in the literature in individuals with BRCA2-related conditions. In summary, the available evidence is currently insufficient to determine the role of this variant in disease. Therefore, it has been classified as a Variant of Uncertain Significance. Algorithms developed to predict the effect of missense changes on protein structure and function are either unavailable or do not agree on the potential impact of this missense change (SIFT: "Tolerated"; PolyPhen-2: "Possibly Damaging"; Align-GVGD: "Class C0"). This variant is not present in population databases (ExAC no frequency). This sequence change replaces phenylalanine with isoleucine at codon 2223 of the BRCA2 protein (p.Phe2223Ile). The phenylalanine residue is moderately conserved and there is a small physicochemical difference between phenylalanine and isoleucine.

NM_000059.4(BRCA2):c.6667T>A (p.Phe2223Ile)

Gene: BRCA2 (BRCA2 DNA repair associated; plus strand). Cytogenetic location: 13q13.1.
Variant type: single nucleotide variant.
Coding change: c.6667T>A on transcript NM_000059.4 (MANE Select); coding-DNA position 6667, T replaced by A.
Protein change: p.Phe2223Ile; replaces phenylalanine 2223 with isoleucine.
Molecular consequence: missense variant.
Genome position (GRCh38, 1-based): chr13:32,341,022, T>A. VCF-style: chr13-32341022-T-A. GRCh37 (hg19) VCF-style: chr13-32915159-T-A.
Other names: short protein forms F2223I.
Identifiers: ClinVar variation 856766 (VCV000856766.14), dbSNP rs2072562075, ClinGen allele CA387790492.
Genomic context (GRCh38, chr13:32,341,022, plus strand): 5'-GTTCCTGTGAAAACAAATATAGAAGTTTGTTCTACTTACTCCAAAGATTCAGAAAACTAC[T>A]TTGAAACAGAAGCAGTAGAAATTGCTAAAGCTTTTATGGAAGATGATGAACTGACAGATT-3'
Protein context (NP_000050.3, residues 2213-2233): STYSKDSENY[Phe2223Ile]ETEAVEIAKA